The following is an entry in ClinVar:

NM_014795.4(ZEB2):c.3480C>G (p.Phe1160Leu)

Gene: ZEB2 (zinc finger E-box binding homeobox 2; minus strand). Cytogenetic location: 2q22.3.
Variant type: single nucleotide variant.
Coding change: c.3480C>G on transcript NM_014795.4 (MANE Select); coding-DNA position 3480, C replaced by G.
Protein change: p.Phe1160Leu; replaces phenylalanine 1160 with leucine.
Molecular consequence: missense variant.
Genome position (GRCh38, 1-based): chr2:144,389,616, G>C on the plus strand (C>G on the coding strand, the complement: ZEB2 is on the minus strand). VCF-style: chr2-144389616-G-C. GRCh37 (hg19) VCF-style: chr2-145147183-G-C.
Other names: c.3408C>G, p.Phe1136Leu (NM_001171653.2); short protein forms F1160L, F1136L.
Identifiers: ClinVar variation 4743300 (VCV004743300.1).

ClinVar aggregate classification (germline): Uncertain significance (1 of 4 stars; one submission).

Conditions:
Mowat-Wilson syndrome (MOWS). Also called: Classic Mowat-Wilson Syndrome. Identifiers: Orphanet 2152, MedGen C1856113, MONDO:0009341, OMIM 235730.

gnomAD v4.1: 2 of 1,613,552 alleles (0.00012%); highest among the groups gnomAD compares: Admixed American, 0.0017%; no homozygotes.

Submission:

Labcorp Genetics (formerly Invitae), Labcorp
Classification: Uncertain significance for Mowat-Wilson syndrome. Last evaluated: 2025-08-29. Review status: criteria provided, single submitter. Criteria: Invitae Variant Classification Sherloc (09022015). Collection method: clinical testing. Allele origin: germline.
Comment: This sequence change replaces phenylalanine, which is neutral and non-polar, with leucine, which is neutral and non-polar, at codon 1160 of the ZEB2 protein (p.Phe1160Leu). This variant is not present in population databases (gnomAD no frequency). This variant has not been reported in the literature in individuals affected with ZEB2-related conditions. Invitae Evidence Modeling of protein sequence and biophysical properties (such as structural, functional, and spatial information, amino acid conservation, physicochemical variation, residue mobility, and thermodynamic stability) indicates that this missense variant is expected to disrupt ZEB2 protein function with a positive predictive value of 80%. In summary, the available evidence is currently insufficient to determine the role of this variant in disease. Therefore, it has been classified as a Variant of Uncertain Significance.